The following is an entry in ClinVar:

ClinVar aggregate classification (germline): Uncertain significance (1 of 4 stars; one submission).

Conditions:
Cardiovascular phenotype. Identifiers: MedGen CN230736.

Submission:

Ambry Genetics
Classification: Uncertain significance for Cardiovascular phenotype. Last evaluated: 2026-01-06. Review status: criteria provided, single submitter. Criteria: Ambry Variant Classification Scheme 2023. Collection method: clinical testing. Allele origin: germline.
Comment: The p.D340V variant (also known as c.1019A>T), located in coding exon 9 of the PTPN11 gene, results from an A to T substitution at nucleotide position 1019. The aspartic acid at codon 340 is replaced by valine, an amino acid with highly dissimilar properties. This amino acid position is conserved. In addition, this alteration is predicted to be deleterious by in silico analysis. Based on the available evidence, the clinical significance of this variant remains unclear.

NM_002834.5(PTPN11):c.1019A>T (p.Asp340Val)

Gene: PTPN11 (protein tyrosine phosphatase non-receptor type 11; plus strand). Cytogenetic location: 12q24.13.
Variant type: single nucleotide variant.
Coding change: c.1019A>T on transcript NM_002834.5 (MANE Select); coding-DNA position 1019, A replaced by T.
Protein change: p.Asp340Val; replaces aspartic acid 340 with valine.
Molecular consequence: missense variant.
Genome position (GRCh38, 1-based): chr12:112,477,942, A>T. VCF-style: chr12-112477942-A-T. GRCh37 (hg19) VCF-style: chr12-112915746-A-T.
Other names: c.1019A>T, p.Asp340Val (NM_001330437.2, NM_080601.3); c.1016A>T, p.Asp339Val (NM_001374625.1); short protein forms D340V, D339V.
Identifiers: ClinVar variation 4841340 (VCV004841340.1).